The following is an entry in ClinVar:

NM_005477.3(HCN4):c.556A>G (p.Thr186Ala)

Gene: HCN4 (hyperpolarization activated cyclic nucleotide gated potassium channel 4; minus strand). Cytogenetic location: 15q24.1.
Variant type: single nucleotide variant.
Coding change: c.556A>G on transcript NM_005477.3 (MANE Select); coding-DNA position 556, A replaced by G.
Protein change: p.Thr186Ala; replaces threonine 186 with alanine.
Molecular consequence: missense variant.
Genome position (GRCh38, 1-based): chr15:73,367,715, T>C on the plus strand (A>G on the coding strand, the complement: HCN4 is on the minus strand). VCF-style: chr15-73367715-T-C. GRCh37 (hg19) VCF-style: chr15-73660056-T-C.
Other names: short protein forms T186A.
Identifiers: ClinVar variation 426587 (VCV000426587.8), dbSNP rs1085307696, ClinGen allele CA393097650.
Genomic context (GRCh38, chr15:73,367,715, plus strand): 5'-CCTCGGCCTCCGGGAGGATCTGGTCGCCGGCAGCCGCGCCTCCCTCCACTTTGATAGCGG[T>C]GTCCACCGAGGGCTGCTCGCAGGAGGCGGAGGCCGGCTGCGGTGGCTGCTGGGGCGGCGG-3'
Protein context (NP_005468.1, residues 176-196): SASCEQPSVD[Thr186Ala]AIKVEGGAAA

ClinVar aggregate classification (germline): Uncertain significance. Review status: criteria provided, multiple submitters, no conflicts (2 of 4 stars). 3 submissions from 3 submitters: Uncertain significance (3). Last evaluated 2026-08-19.

Conditions:
Brugada syndrome 8 (BRGDA8). Identifiers: Orphanet 130, MedGen C2751083, MONDO:0013148, OMIM 613123.
Cardiovascular phenotype. Identifiers: MedGen CN230736.

Allele frequency attached by ClinVar (database versions not stated): gnomAD exomes below 0.00001; gnomAD 0.00002; TOPMed 0.00002.
gnomAD v4.1: 8 of 1,597,124 alleles (0.0005%); highest among the groups gnomAD compares: African/African-American, 0.0053%; no homozygotes.

Submissions (3):

Ambry Genetics
Classification: Uncertain significance for Cardiovascular phenotype. Last evaluated: 2026-08-19. Review status: criteria provided, single submitter. Criteria: Ambry Variant Classification Scheme 2023. Collection method: clinical testing. Allele origin: germline.
Comment: The p.T186A variant (also known as c.556A>G), located in coding exon 1 of the HCN4 gene, results from an A to G substitution at nucleotide position 556. The threonine at codon 186 is replaced by alanine, an amino acid with similar properties. This amino acid position is highly conserved in available vertebrate species. In addition, this alteration is predicted to be tolerated by in silico analysis. Based on the available evidence, the clinical significance of this variant remains unclear.

Labcorp Genetics (formerly Invitae), Labcorp
Classification: Uncertain significance for Brugada syndrome 8. Last evaluated: 2026-01-11. Review status: criteria provided, single submitter. Criteria: Invitae Variant Classification Sherloc (09022015). Collection method: clinical testing. Allele origin: germline.
Comment: This sequence change replaces threonine, which is neutral and polar, with alanine, which is neutral and non-polar, at codon 186 of the HCN4 protein (p.Thr186Ala). This variant is present in population databases (no rsID available, gnomAD 0.01%). This variant has not been reported in the literature in individuals affected with HCN4-related conditions. ClinVar contains an entry for this variant (Variation ID: 426587). Invitae Evidence Modeling of protein sequence and biophysical properties (such as structural, functional, and spatial information, amino acid conservation, physicochemical variation, residue mobility, and thermodynamic stability) indicates that this missense variant is not expected to disrupt HCN4 protein function with a negative predictive value of 95%. In summary, the available evidence is currently insufficient to determine the role of this variant in disease. Therefore, it has been classified as a Variant of Uncertain Significance.

GeneDx
Classification: Uncertain significance. Last evaluated: 2017-04-11. Review status: criteria provided, single submitter. Criteria: GeneDx Variant Classification (06012015). Collection method: clinical testing. Allele origin: germline. Affected: yes.
Comment: A variant of uncertain significance has been identified in the HCN4 gene. The T186A variant has not been published as pathogenic or been reported as benign to our knowledge. This variant is not observed in large population cohorts (Lek et al., 2016; 1000 Genomes Consortium et al., 2015; Exome Variant Server). The T186A variant is a non-conservative amino acid substitution, which is likely to impact secondary protein structure as these residues differ in polarity, charge, size and/or other properties. This substitution occurs at a position that is conserved in mammals. However, in silico analysis predicts this variant likely does not alter the protein structure/function.